The following is an entry in ClinVar:

ClinVar aggregate classification (germline): Uncertain significance (1 of 4 stars; one submission).

gnomAD v4.1: 2,289 of 1,602,708 alleles (0.14%); highest among the groups gnomAD compares: Non-Finnish European, 0.19%; no homozygotes.

Submission:

CeGaT Center for Human Genetics Tuebingen
Classification: Uncertain significance. Last evaluated: 2024-09-01. Review status: criteria provided, single submitter. Criteria: CeGaT Center For Human Genetics Tuebingen Variant Classification Criteria Version 2. Collection method: clinical testing. Allele origin: germline. Affected: yes. Observed: 1 variant allele.
Comment: SNAPC4: PM2, BP4

NM_003086.4(SNAPC4):c.3839C>T (p.Ala1280Val)

Gene: SNAPC4 (small nuclear RNA activating complex polypeptide 4; minus strand). Cytogenetic location: 9q34.3.
Variant type: single nucleotide variant.
Coding change: c.3839C>T on transcript NM_003086.4 (MANE Select); coding-DNA position 3839, C replaced by T.
Protein change: p.Ala1280Val; replaces alanine 1280 with valine.
Molecular consequence: missense variant.
Genome position (GRCh38, 1-based): chr9:136,377,988, G>A on the plus strand (C>T on the coding strand, the complement: SNAPC4 is on the minus strand). VCF-style: chr9-136377988-G-A. GRCh37 (hg19) VCF-style: chr9-139272440-G-A.
Other names: c.3839C>T, p.Ala1280Val (NM_001394201.1); c.3755C>T, p.Ala1252Val (NM_001394202.1, NM_001394203.1); short protein forms A1252V, A1280V.
Identifiers: ClinVar variation 3388316 (VCV003388316.14).
Genomic context (GRCh38, chr9:136,377,988, plus strand): 5'-CTGCTGCCCAGAAGAGGCACACGCACCCCCCGCTGGCCCCCCAGCCACTGCTGTGTGGCC[G>A]CCTCGCCCTCCTGGGACAGCAGGCCCAGGTCCAGGGCCCCCTTCTCAGGCCCAGGCTGGG-3'
Protein context (NP_003077.2, residues 1270-1290): DLGLLSQEGE[Ala1280Val]ATQQWLGGQR